The following is an entry in ClinVar:

ClinVar aggregate classification (germline): Likely benign. Review status: criteria provided, single submitter (1 of 4 stars). 2 submissions from 2 submitters: Likely benign (1). 1 of the submissions does not count toward it. Last evaluated 2024-11-04.

Conditions:
ROBO1-related disorder. Also called: ROBO1-related condition.

Allele frequency attached by ClinVar (database versions not stated): 1000 Genomes Project 30x 0.00016; 1000 Genomes Project 0.00020; gnomAD 0.00017 and 0.00020; gnomAD exomes 0.00018 and 0.00036; ESP Exome Variant Server 0.00017; TOPMed 0.00027; ExAC 0.00033.
gnomAD v4.1: 306 of 1,612,802 alleles (0.019%); highest among the groups gnomAD compares: Middle Eastern, 0.21%; no homozygotes.

Submissions (2):

Labcorp Genetics (formerly Invitae), Labcorp
Classification: Likely benign. Last evaluated: 2024-11-04. Review status: criteria provided, single submitter. Criteria: Invitae Variant Classification Sherloc (09022015). Collection method: clinical testing. Allele origin: germline.

PreventionGenetics, part of Exact Sciences
Classification: Likely benign for ROBO1-related condition. Last evaluated: 2022-06-27. Review status: no assertion criteria provided. Collection method: clinical testing. Allele origin: germline. Not counted in ClinVar's aggregate classification.
Comment: This variant is classified as likely benign based on ACMG/AMP sequence variant interpretation guidelines (Richards et al. 2015 PMID: 25741868, with internal and published modifications).

NM_002941.4(ROBO1):c.658-7T>C

Gene: ROBO1 (roundabout guidance receptor 1; minus strand). Cytogenetic location: 3p12.3.
Variant type: single nucleotide variant.
Coding change: c.658-7T>C on transcript NM_002941.4 (MANE Select); 7 bases into the intron before coding-DNA position 658, T replaced by C.
Molecular consequence: intron variant.
Genome position (GRCh38, 1-based): chr3:78,717,890, A>G on the plus strand (T>C on the coding strand, the complement: ROBO1 is on the minus strand). VCF-style: chr3-78717890-A-G. GRCh37 (hg19) VCF-style: chr3-78767040-A-G.
Other names: c.541-7T>C (NM_001145845.2, NM_133631.4).
Identifiers: ClinVar variation 720246 (VCV000720246.10), dbSNP rs370729207, ClinGen allele CA2499194.